The following is an entry in ClinVar:

ClinVar aggregate classification (germline): Conflicting classifications of pathogenicity. Review status: criteria provided, conflicting classifications (1 of 4 stars). 2 submissions from 2 submitters: Likely pathogenic (1); Uncertain significance (1). Last evaluated 2025-09-18.

Conditions:
Jeune thoracic dystrophy. Also called: Jeune syndrome; Infantile thoracic dystrophy; Thoracic pelvic phalangeal dystrophy; Jeune's syndrome; Chondroectodermal dysplasia-like syndrome; Short-rib thoracic dysplasia. Identifiers: Orphanet 474, MedGen C0265275, MONDO:0018770.
Inborn genetic diseases. Identifiers: MedGen C0950123, MeSH D030342.

Submissions (2):

Labcorp Genetics (formerly Invitae), Labcorp
Classification: Likely pathogenic for Jeune thoracic dystrophy. Last evaluated: 2025-09-18. Review status: criteria provided, single submitter. Criteria: Invitae Variant Classification Sherloc (09022015). Collection method: clinical testing. Allele origin: germline.
Comment: This sequence change replaces glycine, which is neutral and non-polar, with serine, which is neutral and polar, at codon 1442 of the DYNC2H1 protein (p.Gly1442Ser). This variant is not present in population databases (gnomAD no frequency). This variant has not been reported in the literature in individuals affected with DYNC2H1-related conditions. ClinVar contains an entry for this variant (Variation ID: 3506052). Invitae Evidence Modeling of protein sequence and biophysical properties (such as structural, functional, and spatial information, amino acid conservation, physicochemical variation, residue mobility, and thermodynamic stability) indicates that this missense variant is expected to disrupt DYNC2H1 protein function with a positive predictive value of 95%. This variant disrupts the p.Gly1442 amino acid residue in DYNC2H1. Other variant(s) that disrupt this residue have been determined to be pathogenic (PMID: 23456818). This suggests that this residue is clinically significant, and that variants that disrupt this residue are likely to be disease-causing. In summary, the currently available evidence indicates that the variant is pathogenic, but additional data are needed to prove that conclusively. Therefore, this variant has been classified as Likely Pathogenic.

Ambry Genetics
Classification: Uncertain significance for Inborn genetic diseases. Last evaluated: 2024-10-25. Review status: criteria provided, single submitter. Criteria: Ambry Variant Classification Scheme 2023. Collection method: clinical testing. Allele origin: germline.

Literature cited by the submitters: PubMed 23456818 (cited by Labcorp Genetics (formerly Invitae), Labcorp).

NM_001377.3(DYNC2H1):c.4324G>A (p.Gly1442Ser)

Gene: DYNC2H1 (dynein cytoplasmic 2 heavy chain 1; plus strand). Cytogenetic location: 11q22.3.
Variant type: single nucleotide variant.
Coding change: c.4324G>A on transcript NM_001377.3 (MANE Select); coding-DNA position 4324, G replaced by A.
Protein change: p.Gly1442Ser; replaces glycine 1442 with serine.
Molecular consequence: missense variant.
Genome position (GRCh38, 1-based): chr11:103,158,973, G>A. VCF-style: chr11-103158973-G-A. GRCh37 (hg19) VCF-style: chr11-103029702-G-A.
Other names: c.4324G>A, p.Gly1442Ser (NM_001080463.2); short protein forms G1442S.
Identifiers: ClinVar variation 3506052 (VCV003506052.2).